The following is an entry in ClinVar:

ClinVar aggregate classification (germline): Conflicting classifications of pathogenicity. Review status: criteria provided, conflicting classifications (1 of 4 stars). 3 submissions from 3 submitters: Uncertain significance (1); Benign (1); Likely benign (1). Last evaluated 2026-01-04.

Conditions:
Ehlers-Danlos syndrome, classic type, 1 (EDSCL1). Also called: EHLERS-DANLOS SYNDROME, GRAVIS TYPE; EHLERS-DANLOS SYNDROME, SEVERE CLASSIC TYPE; Ehlers-Danlos Syndrome, Classic Type, COL5A1-Related; EDS I; Ehlers-Danlos syndrome, type 1. Identifiers: MedGen C0268335, MONDO:0019567, OMIM 130000.
Familial thoracic aortic aneurysm and aortic dissection (TAAD). Also called: Thoracic aortic aneurysms and dissections. Identifiers: Orphanet 91387, MedGen C4707243, MONDO:0019625.

Allele frequency attached by ClinVar (database versions not stated): TOPMed 0.00001; gnomAD exomes 0.00003; ExAC 0.00006.
gnomAD v4.1: 45 of 1,611,504 alleles (0.0028%); highest among the groups gnomAD compares: Non-Finnish European, 0.0034%; no homozygotes.

Submissions (3):

Labcorp Genetics (formerly Invitae), Labcorp
Classification: Benign for Ehlers-Danlos syndrome, classic type, 1. Last evaluated: 2026-01-04. Review status: criteria provided, single submitter. Criteria: Invitae Variant Classification Sherloc (09022015). Collection method: clinical testing. Allele origin: germline.

Women's Health and Genetics/Laboratory Corporation of America, LabCorp
Classification: Likely benign. Last evaluated: 2025-07-28. Review status: criteria provided, single submitter. Criteria: LabCorp Variant Classification Summary - May 2015. Collection method: clinical testing. Allele origin: germline.
Comment: Variant summary: COL5A1 c.4192G>A (p.Ala1398Thr) results in a non-conservative amino acid change in the encoded protein sequence. Algorithms developed to predict the effect of missense changes on protein structure and function are either unavailable or do not agree on the potential impact of this missense change. The variant allele was found at a frequency of 2.8e-05 in 1611504 control chromosomes, predominantly at a frequency of 3.4e-05 within the Non-Finnish European subpopulation in the gnomAD database. The observed variant frequency within Non-Finnish European control individuals in the gnomAD database is over than the estimated maximal expected allele frequency for a pathogenic variant in COL5A1 causing Ehlers-Danlos syndrome, classic type, Ehlers-Danlos syndrome, classic type, 1 phenotype (3.1e-05). To our knowledge, no occurrence of c.4192G>A in individuals affected with Ehlers-Danlos syndrome, classic type, Ehlers-Danlos syndrome, classic type, 1 and no experimental evidence demonstrating its impact on protein function have been reported. ClinVar contains an entry for this variant (Variation ID: 365726). Based on the evidence outlined above, the variant was classified as likely benign.

Ambry Genetics
Classification: Uncertain significance for Familial thoracic aortic aneurysm and aortic dissection. Last evaluated: 2023-02-15. Review status: criteria provided, single submitter. Criteria: Ambry Variant Classification Scheme 2023. Collection method: clinical testing. Allele origin: germline.
Comment: The p.A1398T variant (also known as c.4192G>A), located in coding exon 54 of the COL5A1 gene, results from a G to A substitution at nucleotide position 4192. The alanine at codon 1398 is replaced by threonine, an amino acid with similar properties. This amino acid position is well conserved in available vertebrate species. In addition, this alteration is predicted to be tolerated by in silico analysis. Since supporting evidence is limited at this time, the clinical significance of this alteration remains unclear.

NM_000093.5(COL5A1):c.4192G>A (p.Ala1398Thr)

Gene: COL5A1 (collagen type V alpha 1 chain; plus strand). Cytogenetic location: 9q34.3.
Variant type: single nucleotide variant.
Coding change: c.4192G>A on transcript NM_000093.5 (MANE Select); coding-DNA position 4192, G replaced by A.
Protein change: p.Ala1398Thr; replaces alanine 1398 with threonine.
Molecular consequence: missense variant.
Genome position (GRCh38, 1-based): chr9:134,817,793, G>A. VCF-style: chr9-134817793-G-A. GRCh37 (hg19) VCF-style: chr9-137709639-G-A.
Other names: c.4192G>A (NM_000093.3); c.4192G>A, p.Ala1398Thr (NM_001278074.1); short protein forms A1398T.
Identifiers: ClinVar variation 365726 (VCV000365726.18), dbSNP rs759464073, ClinGen allele CA5320190.